The following is an entry in ClinVar:

ClinVar aggregate classification (germline): Uncertain significance. Review status: criteria provided, multiple submitters, no conflicts (2 of 4 stars). 3 submissions from 3 submitters: Uncertain significance (3). Last evaluated 2024-09-01.

Conditions:
Aicardi-Goutieres syndrome 5. Identifiers: Orphanet 51, MedGen C2749659, MONDO:0013059, OMIM 612952.
Inborn genetic diseases. Identifiers: MedGen C0950123, MeSH D030342.

Allele frequency attached by ClinVar (database versions not stated): TOPMed below 0.00001; gnomAD 0.00001.
gnomAD v4.1: 14 of 1,612,670 alleles (0.00087%); highest among the groups gnomAD compares: Non-Finnish European, 0.0011%; no homozygotes.

Submissions (3):

CeGaT Center for Human Genetics Tuebingen
Classification: Uncertain significance. Last evaluated: 2024-09-01. Review status: criteria provided, single submitter. Criteria: CeGaT Center For Human Genetics Tuebingen Variant Classification Criteria Version 2. Collection method: clinical testing. Allele origin: germline. Affected: yes. Observed: 1 variant allele.
Comment: SAMHD1: PM2

Ambry Genetics
Classification: Uncertain significance for Inborn genetic diseases. Last evaluated: 2023-12-27. Review status: criteria provided, single submitter. Criteria: Ambry Variant Classification Scheme 2023. Collection method: clinical testing. Allele origin: germline.

Labcorp Genetics (formerly Invitae), Labcorp
Classification: Uncertain significance for Aicardi-Goutieres syndrome 5. Last evaluated: 2022-10-05. Review status: criteria provided, single submitter. Criteria: Invitae Variant Classification Sherloc (09022015). Collection method: clinical testing. Allele origin: germline.
Comment: This sequence change replaces arginine, which is basic and polar, with cysteine, which is neutral and slightly polar, at codon 85 of the SAMHD1 protein (p.Arg85Cys). This variant is present in population databases (rs765170388, gnomAD 0.002%). This variant has not been reported in the literature in individuals affected with SAMHD1-related conditions. Algorithms developed to predict the effect of missense changes on protein structure and function (SIFT, PolyPhen-2, Align-GVGD) all suggest that this variant is likely to be tolerated. In summary, the available evidence is currently insufficient to determine the role of this variant in disease. Therefore, it has been classified as a Variant of Uncertain Significance.

NM_015474.4(SAMHD1):c.253C>T (p.Arg85Cys)

Gene: SAMHD1 (SAM and HD domain containing deoxynucleoside triphosphate triphosphohydrolase 1; minus strand). Cytogenetic location: 20q11.23.
Variant type: single nucleotide variant.
Coding change: c.253C>T on transcript NM_015474.4 (MANE Select); coding-DNA position 253, C replaced by T.
Protein change: p.Arg85Cys; replaces arginine 85 with cysteine.
Molecular consequence: missense variant.
Genome position (GRCh38, 1-based): chr20:36,946,760, G>A on the plus strand (C>T on the coding strand, the complement: SAMHD1 is on the minus strand). VCF-style: chr20-36946760-G-A. GRCh37 (hg19) VCF-style: chr20-35575163-G-A.
Other names: c.253C>T, p.Arg85Cys (NM_001363729.2, NM_001363733.2); short protein forms R85C.
Identifiers: ClinVar variation 2066421 (VCV002066421.16), dbSNP rs765170388, ClinGen allele CA9844786.